The following is an entry in ClinVar:

ClinVar aggregate classification (germline): Benign. Review status: criteria provided, multiple submitters, no conflicts (2 of 4 stars). 7 submissions from 7 submitters: Benign (7). Last evaluated 2026-02-03.

Conditions:
Tumoral calcinosis, hyperphosphatemic, familial, 3. Identifiers: MedGen C4693864, MONDO:0060715, OMIM 617994.

Allele frequency attached by ClinVar (database versions not stated): 1000 Genomes Project 30x 0.12836; 1000 Genomes Project 0.12999; gnomAD exomes 0.14118 and 0.15380; ExAC 0.14313; TOPMed 0.14767; gnomAD 0.15629 and 0.15795; ESP Exome Variant Server 0.17115.

Submissions (7):

Labcorp Genetics (formerly Invitae), Labcorp
Classification: Benign. Last evaluated: 2026-02-03. Review status: criteria provided, single submitter. Criteria: Invitae Variant Classification Sherloc (09022015). Collection method: clinical testing. Allele origin: germline.

Blueprint Genetics
Classification: Benign. Last evaluated: 2024-11-27. Review status: criteria provided, single submitter. Criteria: ACMG Guidelines, 2015. Collection method: clinical testing. Allele origin: germline.

Mayo Clinic Laboratories, Mayo Clinic
Classification: Benign. Last evaluated: 2022-03-09. Review status: criteria provided, single submitter. Criteria: ACMG Guidelines, 2015. Collection method: clinical testing. Allele origin: germline. Observed: 54 variant alleles.

Genome-Nilou Lab
Classification: Benign for Tumoral calcinosis, hyperphosphatemic, familial, 3. Last evaluated: 2021-08-19. Review status: criteria provided, single submitter. Criteria: ACMG Guidelines, 2015. Collection method: clinical testing. Allele origin: germline. Affected: no.

GeneDx
Classification: Benign. Last evaluated: 2021-05-04. Review status: criteria provided, single submitter. Criteria: GeneDx Variant Classification Process June 2021. Collection method: clinical testing. Allele origin: germline. Affected: yes.

Illumina Laboratory Services, Illumina
Classification: Benign for Tumoral calcinosis, hyperphosphatemic, familial, 3. Last evaluated: 2018-01-13. Review status: criteria provided, single submitter. Criteria: ICSL Variant Classification Criteria 13 December 2019. Collection method: clinical testing. Allele origin: germline.
Comment: This variant was observed in the ICSL laboratory as part of a predisposition screen in an ostensibly healthy population. It had not been previously curated by ICSL or reported in the Human Gene Mutation Database (HGMD: prior to June 1st, 2018), and was therefore a candidate for classification through an automated scoring system. Utilizing variant allele frequency, disease prevalence and penetrance estimates, and inheritance mode, an automated score was calculated to assess if this variant is too frequent to cause the disease. Based on the score and internal cut-off values, a variant classified as benign is not then subjected to further curation. The score for this variant resulted in a classification of benign for this disease.

Breakthrough Genomics
Classification: Benign. Review status: criteria provided, single submitter. Criteria: ACMG Guidelines, 2015. Collection method: not provided. Allele origin: germline. Inheritance: Autosomal recessive inheritance. Affected: yes.

NM_004795.4(KL):c.1155G>A (p.Lys385=)

Gene: KL (klotho; plus strand). Cytogenetic location: 13q13.1.
Variant type: single nucleotide variant.
Coding change: c.1155G>A on transcript NM_004795.4 (MANE Select); coding-DNA position 1155, G replaced by A.
Protein change: p.Lys385=; no amino-acid change (lysine 385 retained).
Molecular consequence: synonymous variant.
Genome position (GRCh38, 1-based): chr13:33,054,102, G>A. VCF-style: chr13-33054102-G-A. GRCh37 (hg19) VCF-style: chr13-33628239-G-A.
Other names: p.Lys385=.
Identifiers: ClinVar variation 311692 (VCV000311692.19), dbSNP rs9527026, ClinGen allele CA6944044.